The following is an entry in ClinVar:

ClinVar aggregate classification (germline): Uncertain significance (1 of 4 stars; one submission).

Allele frequency attached by ClinVar (database versions not stated): gnomAD 0.00001.
gnomAD v4.1: 1 of 1,614,116 alleles (0.000062%); highest among the groups gnomAD compares: Middle Eastern, 0.016%; no homozygotes.

Submission:

Ambry Genetics
Classification: Uncertain significance. Last evaluated: 2022-05-11. Review status: criteria provided, single submitter. Criteria: Ambry Variant Classification Scheme 2023. Collection method: clinical testing. Allele origin: germline.
Comment: The p.K1070E variant (also known as c.3208A>G), located in coding exon 4 of the ALPK2 gene, results from an A to G substitution at nucleotide position 3208. The lysine at codon 1070 is replaced by glutamic acid, an amino acid with similar properties. This amino acid position is conserved. In addition, this alteration is predicted to be tolerated by in silico analysis. Since supporting evidence is limited at this time, the clinical significance of this alteration remains unclear.

NM_052947.4(ALPK2):c.3208A>G (p.Lys1070Glu)

Gene: ALPK2 (alpha kinase 2; minus strand). Cytogenetic location: 18q21.31.
Variant type: single nucleotide variant.
Coding change: c.3208A>G on transcript NM_052947.4 (MANE Select); coding-DNA position 3208, A replaced by G.
Protein change: p.Lys1070Glu; replaces lysine 1070 with glutamic acid.
Molecular consequence: missense variant.
Genome position (GRCh38, 1-based): chr18:58,536,979, T>C on the plus strand (A>G on the coding strand, the complement: ALPK2 is on the minus strand). VCF-style: chr18-58536979-T-C. GRCh37 (hg19) VCF-style: chr18-56204211-T-C.
Other names: short protein forms K1070E.
Identifiers: ClinVar variation 1728881 (VCV001728881.2), dbSNP rs1833922532, ClinGen allele CA402568873.